The following is an entry in ClinVar:

ClinVar aggregate classification (germline): Conflicting classifications of pathogenicity. Review status: criteria provided, conflicting classifications (1 of 4 stars). 4 submissions from 4 submitters: Uncertain significance (1); Likely benign (3). Last evaluated 2025-09-10.

Conditions:
CDH23-related disorder. Also called: CDH23-related disorders; CDH23-related condition.

Allele frequency attached by ClinVar (database versions not stated): gnomAD exomes 0.00002; ExAC 0.00004; gnomAD 0.00005 and 0.00006; TOPMed 0.00005; ESP Exome Variant Server 0.00008.
gnomAD v4.1: 34 of 1,613,734 alleles (0.0021%); highest among the groups gnomAD compares: Admixed American, 0.0083%; no homozygotes.

Submissions (4):

Labcorp Genetics (formerly Invitae), Labcorp
Classification: Likely benign. Last evaluated: 2025-09-10. Review status: criteria provided, single submitter. Criteria: Invitae Variant Classification Sherloc (09022015). Collection method: clinical testing. Allele origin: germline.

PreventionGenetics, part of Exact Sciences
Classification: Likely benign for CDH23-related condition. Last evaluated: 2025-05-11. Review status: criteria provided, single submitter. Criteria: ACMG Guidelines, 2015. Collection method: clinical testing. Allele origin: germline.
Comment: This variant is classified as likely benign based on ACMG/AMP sequence variant interpretation guidelines (Richards et al. 2015 PMID: 25741868, with internal and published modifications).

Blueprint Genetics
Classification: Likely benign. Last evaluated: 2024-06-21. Review status: criteria provided, single submitter. Criteria: ACMG Guidelines, 2015. Collection method: clinical testing. Allele origin: germline.

Eurofins Ntd Llc (ga)
Classification: Uncertain significance. Last evaluated: 2017-02-28. Review status: criteria provided, single submitter. Criteria: EGL Classification Definitions 2015. Collection method: clinical testing. Allele origin: germline. Observed: 1 variant allele, 1 heterozygote.

NM_022124.6(CDH23):c.870C>T (p.Ser290=)

Gene: CDH23 (cadherin related 23; plus strand). Cytogenetic location: 10q22.1.
Variant type: single nucleotide variant.
Coding change: c.870C>T on transcript NM_022124.6 (MANE Select); coding-DNA position 870, C replaced by T.
Protein change: p.Ser290=; no amino-acid change (serine 290 retained).
Molecular consequence: synonymous variant.
Genome position (GRCh38, 1-based): chr10:71,615,541, C>T. VCF-style: chr10-71615541-C-T. GRCh37 (hg19) VCF-style: chr10-73375298-C-T.
Other names: c.870C>T, p.Ser290= (NM_001171930.2, NM_001171931.2, NM_001171932.2 and 1 more transcripts).
Identifiers: ClinVar variation 499793 (VCV000499793.17), dbSNP rs375292899, ClinGen allele CA5543583.